The following is an entry in ClinVar:

ClinVar aggregate classification (germline): Benign/Likely benign. Review status: criteria provided, multiple submitters, no conflicts (2 of 4 stars). 9 submissions from 9 submitters: Benign (1); Likely benign (4). 4 of the submissions do not count toward it. Last evaluated 2026-01-26.

Conditions:
JPH2-related disorder. Also called: JPH2-related condition.
Cardiovascular phenotype. Identifiers: MedGen CN230736.
Hypertrophic cardiomyopathy. Also called: HYPERTROPHIC MYOCARDIOPATHY. Identifiers: Orphanet 217569, MedGen C0007194, MeSH D002312, MONDO:0005045, HP:0001639.

Allele frequency attached by ClinVar (database versions not stated): gnomAD 0.00002 and 0.00014; TOPMed 0.00003; ESP Exome Variant Server 0.00008; gnomAD exomes 0.00018 and 0.00034; ExAC 0.00065; 1000 Genomes Project 30x 0.00078; 1000 Genomes Project 0.00080.
gnomAD v4.1: 296 of 1,593,706 alleles (0.019%); highest among the groups gnomAD compares: South Asian, 0.28%; 6 homozygotes.

Submissions (9):

Labcorp Genetics (formerly Invitae), Labcorp
Classification: Likely benign for Hypertrophic cardiomyopathy. Last evaluated: 2026-01-26. Review status: criteria provided, single submitter. Criteria: Invitae Variant Classification Sherloc (09022015). Collection method: clinical testing. Allele origin: germline.

Molecular Diagnostic Laboratory for Inherited Cardiovascular Disease, Montreal Heart Institute
Classification: Likely benign. Last evaluated: 2025-04-09. Review status: criteria provided, single submitter. Criteria: ACMG Guidelines, 2015. Collection method: clinical testing. Allele origin: germline. Affected: no.

Blueprint Genetics
Classification: Likely benign. Last evaluated: 2024-11-11. Review status: criteria provided, single submitter. Criteria: ACMG Guidelines, 2015. Collection method: clinical testing. Allele origin: germline.

Ambry Genetics
Classification: Likely benign for Cardiovascular phenotype. Last evaluated: 2023-11-16. Review status: criteria provided, single submitter. Criteria: Ambry Variant Classification Scheme 2023. Collection method: clinical testing. Allele origin: germline.

CeGaT Center for Human Genetics Tuebingen
Classification: Benign. Last evaluated: 2022-10-01. Review status: criteria provided, single submitter. Criteria: CeGaT Center For Human Genetics Tuebingen Variant Classification Criteria Version 2. Collection method: clinical testing. Allele origin: germline. Affected: yes. Observed: 1 variant allele.
Comment: JPH2: BS1, BS2

PreventionGenetics, part of Exact Sciences
Classification: Likely benign for JPH2-related condition. Last evaluated: 2024-04-09. Review status: no assertion criteria provided. Collection method: clinical testing. Allele origin: germline. Not counted in ClinVar's aggregate classification.
Comment: This variant is classified as likely benign based on ACMG/AMP sequence variant interpretation guidelines (Richards et al. 2015 PMID: 25741868, with internal and published modifications).

Clinical Genetics, Academic Medical Center
Classification: Likely benign. Review status: no assertion criteria provided. Collection method: clinical testing. Allele origin: germline. Affected: yes. Study: VKGL Data-share Consensus. Not counted in ClinVar's aggregate classification.

Diagnostic Laboratory, Department of Genetics, University Medical Center Groningen
Classification: Likely benign. Review status: no assertion criteria provided. Collection method: clinical testing. Allele origin: germline. Affected: yes. Study: VKGL Data-share Consensus. Not counted in ClinVar's aggregate classification.

Joint Genome Diagnostic Labs from Nijmegen and Maastricht, Radboudumc and MUMC+
Classification: Likely benign. Review status: no assertion criteria provided. Collection method: clinical testing. Allele origin: germline. Affected: yes. Study: VKGL Data-share Consensus. Not counted in ClinVar's aggregate classification.

NM_020433.5(JPH2):c.820G>A (p.Asp274Asn)

Gene: JPH2 (junctophilin 2; minus strand). Cytogenetic location: 20q13.12.
Variant type: single nucleotide variant.
Coding change: c.820G>A on transcript NM_020433.5 (MANE Select); coding-DNA position 820, G replaced by A.
Protein change: p.Asp274Asn; replaces aspartic acid 274 with asparagine.
Molecular consequence: missense variant.
Genome position (GRCh38, 1-based): chr20:44,159,967, C>T on the plus strand (G>A on the coding strand, the complement: JPH2 is on the minus strand). VCF-style: chr20-44159967-C-T. GRCh37 (hg19) VCF-style: chr20-42788607-C-T.
Other names: short protein forms D274N.
Identifiers: ClinVar variation 700765 (VCV000700765.49), dbSNP rs376694047, ClinGen allele CA9868809.